The following is an entry in ClinVar:

NM_000528.4(MAN2B1):c.2119C>T (p.Gln707Ter)

Gene: MAN2B1 (mannosidase alpha class 2B member 1; minus strand). Cytogenetic location: 19p13.13.
Variant type: single nucleotide variant.
Coding change: c.2119C>T on transcript NM_000528.4 (MANE Select); coding-DNA position 2119, C replaced by T.
Protein change: p.Gln707Ter; replaces glutamine 707 with a stop codon.
Molecular consequence: nonsense.
Genome position (GRCh38, 1-based): chr19:12,650,150, G>A on the plus strand (C>T on the coding strand, the complement: MAN2B1 is on the minus strand). VCF-style: chr19-12650150-G-A. GRCh37 (hg19) VCF-style: chr19-12760964-G-A.
Other names: c.2116C>T, p.Gln706Ter (NM_001173498.2); short protein forms Q706*, Q707*.
Identifiers: ClinVar variation 3384035 (VCV003384035.2).

ClinVar aggregate classification (germline): Pathogenic/Likely pathogenic. Review status: criteria provided, multiple submitters, no conflicts (2 of 4 stars). 2 submissions from 2 submitters: Pathogenic (1); Likely pathogenic (1). Last evaluated 2024-10-04.

Conditions:
Deficiency of alpha-mannosidase (MANSA). Also called: LYSOSOMAL ALPHA-D-MANNOSIDASE DEFICIENCY; Alpha-Mannosidosis; Mannosidosis, alpha-, types I and II. Identifiers: Orphanet 61, MedGen C0024748, MONDO:0009561, OMIM 248500.

Submissions (2):

Dubai Health Genomic Medicine Center, Dubai Health
Classification: Likely pathogenic for Mannosidosis, alpha-, types I and II. Last evaluated: 2024-10-04. Review status: criteria provided, single submitter. Criteria: ACMG Guidelines, 2015. Collection method: research. Allele origin: germline. Affected: yes.
Comment: PVS1,PM2

Myriad Genetics, Inc.
Classification: Pathogenic for Deficiency of alpha-mannosidase. Last evaluated: 2023-09-06. Review status: criteria provided, single submitter. Criteria: Myriad Autosomal Dominant, Autosomal Recessive and X-Linked Classification Criteria (2023). Collection method: clinical testing. Allele origin: unknown.
Comment: NM_000528.3(MAN2B1):c.2119C>T(Q707*) is expected to be pathogenic in the context of alpha-mannosidosis. This variant is predicted to lead to an abnormal or absent protein product due to the creation of a premature termination codon in MAN2B1, a gene where loss-of-function variants are known to be pathogenic. Please note: this variant was assessed in the context of healthy population screening.